The following is an entry in ClinVar:

ClinVar aggregate classification (germline): Uncertain significance. Review status: criteria provided, multiple submitters, no conflicts (2 of 4 stars). 4 submissions from 4 submitters: Uncertain significance (4). Last evaluated 2025-12-16.

Conditions:
Autosomal dominant nonsyndromic hearing loss 65. Also called: Deafness, autosomal dominant 65; TBC1D24-Related Autosomal Dominant Nonsyndromic Hearing Loss (DFNA). Identifiers: Orphanet 90635, MedGen C3892048, MONDO:0014470, OMIM 616044.
Developmental and epileptic encephalopathy, 1 (DEE1). Also called: Epileptic encephalopathy, early infantile, 1; X-linked infantile spasms; West's syndrome; Tonic spasms with clustering, arrest of psychomotor development and hypsarrhythmia on EEG; X-Linked Infantile Spasm Syndrome; OHTAHARA SYNDROME, X-LINKED. Identifiers: MedGen C3463992, MONDO:0010632, OMIM 308350. Disease mechanism: loss of function.
DOORS syndrome (DOORS). Also called: DEAFNESS, ONYCHODYSTROPHY, OSTEODYSTROPHY, IMPAIRED INTELLECTUAL DEVELOPMENT, AND SEIZURES SYNDROME; DRC SYNDROME; Digitorenocerebral syndrome; BRACHYDACTYLY DUE TO ABSENCE OF DISTAL PHALANGES; ERONEN SYNDROME; DOOR SYNDROME. Identifiers: Orphanet 3231, Orphanet 79500, MedGen C0795934, MONDO:0009079, OMIM 220500. Disease mechanism: loss of function.
Autosomal recessive nonsyndromic hearing loss 86 (DFNB86). Also called: Deafness , autosomal recessive 86; TBC1D24-Related Autosomal Recessive Nonsyndromic Hearing Loss (DFNB). Identifiers: Orphanet 90636, MedGen C2829265, MONDO:0013826, OMIM 614617.
Developmental and epileptic encephalopathy, 16 (DEE16). Also called: Early infantile epileptic encephalopathy 16; TBC1D24-Related Developmental and Epileptic Encephalopathy (DEE). Identifiers: Orphanet 293181, Orphanet 352596, MedGen C3809173, MONDO:0014133, OMIM 615338.
Rolandic epilepsy-paroxysmal exercise-induced dystonia-writer's cramp syndrome. Also called: RE-PED-WC; TBC1D24-Related Rolandic Epilepsy with Paroxysmal Exercise-Induced Dystonia and Writer's Cramp (EPRPDC). Identifiers: Orphanet 163727, MedGen C1842531, MONDO:0011970, OMIM 608105.
Familial infantile myoclonic epilepsy (FIME). Also called: Epilepsy, Myoclonic, Infantile; TBC1D24-Related Familial Infantile Myoclonic Epilepsy (FIME). Identifiers: Orphanet 352582, MedGen C0917800, MONDO:0011506, OMIM 605021.
Inborn genetic diseases. Identifiers: MedGen C0950123, MeSH D030342.

Allele frequency attached by ClinVar (database versions not stated): gnomAD exomes 0.00002; ESP Exome Variant Server 0.00016; gnomAD 0.00021 and 0.00018; ExAC 0.00002; TOPMed 0.00023.
gnomAD v4.1: 46 of 1,613,342 alleles (0.0029%); highest among the groups gnomAD compares: African/African-American, 0.055%; no homozygotes.

Submissions (4):

Labcorp Genetics (formerly Invitae), Labcorp
Classification: Uncertain significance for Developmental and epileptic encephalopathy, 1; Autosomal dominant nonsyndromic hearing loss 65. Last evaluated: 2025-12-16. Review status: criteria provided, single submitter. Criteria: Invitae Variant Classification Sherloc (09022015). Collection method: clinical testing. Allele origin: germline.
Comment: This sequence change replaces valine, which is neutral and non-polar, with methionine, which is neutral and non-polar, at codon 73 of the TBC1D24 protein (p.Val73Met). This variant is present in population databases (rs370078844, gnomAD 0.05%). This variant has not been reported in the literature in individuals affected with TBC1D24-related conditions. ClinVar contains an entry for this variant (Variation ID: 655487). Invitae Evidence Modeling of protein sequence and biophysical properties (such as structural, functional, and spatial information, amino acid conservation, physicochemical variation, residue mobility, and thermodynamic stability) has been performed for this missense variant. However, the output from this modeling did not meet the statistical confidence thresholds required to predict the impact of this variant on TBC1D24 protein function. In summary, the available evidence is currently insufficient to determine the role of this variant in disease. Therefore, it has been classified as a Variant of Uncertain Significance.

GeneDx
Classification: Uncertain significance. Last evaluated: 2025-11-19. Review status: criteria provided, single submitter. Criteria: GeneDx Variant Classification Process June 2021. Collection method: clinical testing. Allele origin: germline. Affected: yes.
Comment: In silico analysis suggests that this missense variant does not alter protein structure/function; Has not been previously published as pathogenic or benign to our knowledge; This variant is associated with the following publications: (PMID: 24291220)

Fulgent Genetics
Classification: Uncertain significance for DOORS syndrome; Familial infantile myoclonic epilepsy; Rolandic epilepsy-paroxysmal exercise-induced dystonia-writer's cramp syndrome; Autosomal recessive nonsyndromic hearing loss 86; Developmental and epileptic encephalopathy, 16; Autosomal dominant nonsyndromic hearing loss 65. Last evaluated: 2022-01-04. Review status: criteria provided, single submitter. Criteria: ACMG Guidelines, 2015. Collection method: clinical testing. Allele origin: unknown.

Ambry Genetics
Classification: Uncertain significance for Inborn genetic diseases. Last evaluated: 2018-09-26. Review status: criteria provided, single submitter. Criteria: Ambry Variant Classification Scheme 2023. Collection method: clinical testing. Allele origin: germline.
Comment: The p.V73M variant (also known as c.217G>A), located in coding exon 1 of the TBC1D24 gene, results from a G to A substitution at nucleotide position 217. The valine at codon 73 is replaced by methionine, an amino acid with highly similar properties. This variant was reported in an exome variant server sequencing project (Campeau PM et al. Lancet Neurol, 2014 Jan;13:44-58). This amino acid position is highly conserved in available vertebrate species. In addition, the in silico prediction for this alteration is inconclusive. Based on available evidence to date, the clinical significance of this alteration remains unclear.

Literature cited by the submitters: PubMed 24291220 (cited by Ambry Genetics).

NM_001199107.2(TBC1D24):c.217G>A (p.Val73Met)

Gene: TBC1D24 (TBC1 domain family member 24; plus strand). Cytogenetic location: 16p13.3.
Variant type: single nucleotide variant.
Coding change: c.217G>A on transcript NM_001199107.2 (MANE Select); coding-DNA position 217, G replaced by A.
Protein change: p.Val73Met; replaces valine 73 with methionine.
Molecular consequence: missense variant.
Genome position (GRCh38, 1-based): chr16:2,496,365, G>A. VCF-style: chr16-2496365-G-A. GRCh37 (hg19) VCF-style: chr16-2546366-G-A.
Other names: c.217G>A, p.Val73Met (NM_020705.3); short protein forms V73M.
Identifiers: ClinVar variation 655487 (VCV000655487.18), dbSNP rs370078844, ClinGen allele CA7843954.